The following is an entry in ClinVar:

NM_002055.5(GFAP):c.1171+472G>C

Gene: GFAP (glial fibrillary acidic protein; minus strand). Cytogenetic location: 17q21.31.
Variant type: single nucleotide variant.
Coding change: c.1171+472G>C on transcript NM_002055.5 (MANE Select); 472 bases into the intron after coding-DNA position 1171, G replaced by C.
Molecular consequence: intron variant. On other transcripts: missense variant (2), 3 prime UTR variant (1).
Genome position (GRCh38, 1-based): chr17:44,910,143, C>G on the plus strand (G>C on the coding strand, the complement: GFAP is on the minus strand). VCF-style: chr17-44910143-C-G. GRCh37 (hg19) VCF-style: chr17-42987511-C-G.
Other names: c.1289G>C, p.Arg430Pro (NM_001131019.3, NM_001363846.2); c.*326G>C (NM_001242376.3); short protein forms R430P.
Identifiers: ClinVar variation 931895 (VCV000931895.7), dbSNP rs748860341, ClinGen allele CA8608682.

ClinVar aggregate classification (germline): Conflicting classifications of pathogenicity. Review status: criteria provided, conflicting classifications (1 of 4 stars). 2 submissions from 2 submitters: Uncertain significance (1); Likely benign (1). Last evaluated 2024-05-15.

Conditions:
Alexander disease (ALXDRD). Also called: Alexander's disease. Identifiers: Orphanet 58, MedGen C0270726, MONDO:0008752, OMIM 203450.

Submissions (2):

Labcorp Genetics (formerly Invitae), Labcorp
Classification: Likely benign. Last evaluated: 2024-05-15. Review status: criteria provided, single submitter. Criteria: Invitae Variant Classification Sherloc (09022015). Collection method: clinical testing. Allele origin: germline.

Centre for Mendelian Genomics, University Medical Centre Ljubljana
Classification: Uncertain significance for Alexander disease. Last evaluated: 2020-04-01. Review status: criteria provided, single submitter. Criteria: ACMG Guidelines, 2015. Collection method: clinical testing. Allele origin: unknown. Affected: yes.
Comment: This variant was classified as: Uncertain significance. The available evidence on this variant's pathogenicity is insufficient or conflicting. The following ACMG criteria were applied in classifying this variant: PP3,PP2.